The following is an entry in ClinVar:

ClinVar aggregate classification (germline): Conflicting classifications of pathogenicity. Review status: criteria provided, conflicting classifications (1 of 4 stars). 4 submissions from 4 submitters: Uncertain significance (3); Likely benign (1). Last evaluated 2025-11-18.

Conditions:
Hereditary breast ovarian cancer syndrome. Also called: Hereditary breast and ovarian cancer syndrome; Hereditary breast and ovarian cancer; Hereditary breast and ovarian cancer syndrome (HBOC); Breast and ovarian cancer; Hereditary breast and/or ovarian cancer syndrome; BRCA1- and BRCA2-Associated Hereditary Breast and Ovarian Cancer. Identifiers: Orphanet 145, MedGen C0677776, MeSH D061325, MONDO:0003582. Disease mechanism: loss of function.
Hereditary cancer-predisposing syndrome. Also called: Tumor predisposition; Neoplastic Syndromes, Hereditary; Hereditary Cancer Syndrome; Hereditary neoplastic syndrome. Identifiers: Orphanet 140162, MedGen C0027672, MeSH D009386, MONDO:0015356.

Submissions (4):

Labcorp Genetics (formerly Invitae), Labcorp
Classification: Uncertain significance for Hereditary breast ovarian cancer syndrome. Last evaluated: 2025-11-18. Review status: criteria provided, single submitter. Criteria: Invitae Variant Classification Sherloc (09022015). Collection method: clinical testing. Allele origin: germline.
Comment: This sequence change replaces threonine, which is neutral and polar, with arginine, which is basic and polar, at codon 1887 of the BRCA2 protein (p.Thr1887Arg). This variant is not present in population databases (gnomAD no frequency). This variant has not been reported in the literature in individuals affected with BRCA2-related conditions. ClinVar contains an entry for this variant (Variation ID: 629657). Invitae Evidence Modeling of protein sequence and biophysical properties (such as structural, functional, and spatial information, amino acid conservation, physicochemical variation, residue mobility, and thermodynamic stability) indicates that this missense variant is not expected to disrupt BRCA2 protein function with a negative predictive value of 95%. In summary, the available evidence is currently insufficient to determine the role of this variant in disease. Therefore, it has been classified as a Variant of Uncertain Significance.

GeneDx
Classification: Uncertain significance. Last evaluated: 2025-06-17. Review status: criteria provided, single submitter. Criteria: GeneDx Variant Classification Process June 2021. Collection method: clinical testing. Allele origin: germline.
Comment: Not observed at significant frequency in large population cohorts (gnomAD); In silico analysis suggests that this missense variant does not alter protein structure/function; Has not been previously published as pathogenic or benign to our knowledge; Also known as 5888C>G; This variant is associated with the following publications: (PMID: 29884841, 32377563)

University of Washington Department of Laboratory Medicine, University of Washington
Classification: Likely benign for Hereditary cancer-predisposing syndrome. Last evaluated: 2023-03-23. Review status: criteria provided, single submitter. Criteria: Dines et al. (Genet Med. 2020). Collection method: curation. Allele origin: germline.
Comment: Missense variant in a coldspot region where missense variants are very unlikely to be pathogenic (PMID:31911673).

BRCA2 exon 11 coldspot. Reclassification based on statistical prior probability.

Color Diagnostics, LLC DBA Color Health
Classification: Uncertain significance for Hereditary cancer-predisposing syndrome. Last evaluated: 2019-05-23. Review status: criteria provided, single submitter. Criteria: ACMG Guidelines, 2015. Collection method: clinical testing. Allele origin: germline.

NM_000059.4(BRCA2):c.5660C>G (p.Thr1887Arg)

Gene: BRCA2 (BRCA2 DNA repair associated; plus strand). Cytogenetic location: 13q13.1.
Variant type: single nucleotide variant.
Coding change: c.5660C>G on transcript NM_000059.4 (MANE Select); coding-DNA position 5660, C replaced by G.
Protein change: p.Thr1887Arg; replaces threonine 1887 with arginine.
Molecular consequence: missense variant.
Genome position (GRCh38, 1-based): chr13:32,340,015, C>G. VCF-style: chr13-32340015-C-G. GRCh37 (hg19) VCF-style: chr13-32914152-C-G.
Other names: short protein forms T1887R.
Identifiers: ClinVar variation 629657 (VCV000629657.15), dbSNP rs397507795, ClinGen allele CA387786180.
Genomic context (GRCh38, chr13:32,340,015, plus strand): 5'-CAGACAGTTTCAGTAAAGTAATTAAGGAAAACAACGAGAATAAATCAAAAATTTGCCAAA[C>G]GAAAATTATGGCAGGTTGTTACGAGGCATTGGATGATTCAGAGGATATTCTTCATAACTC-3'
Protein context (NP_000050.3, residues 1877-1897): NNENKSKICQ[Thr1887Arg]KIMAGCYEAL